The following is an entry in ClinVar:

NM_000138.5(FBN1):c.2381A>C (p.Lys794Thr)

Gene: FBN1 (fibrillin 1; minus strand). Cytogenetic location: 15q21.1.
Variant type: single nucleotide variant.
Coding change: c.2381A>C on transcript NM_000138.5 (MANE Select); coding-DNA position 2381, A replaced by C.
Protein change: p.Lys794Thr; replaces lysine 794 with threonine.
Molecular consequence: missense variant.
Genome position (GRCh38, 1-based): chr15:48,496,138, T>G on the plus strand (A>C on the coding strand, the complement: FBN1 is on the minus strand). VCF-style: chr15-48496138-T-G. GRCh37 (hg19) VCF-style: chr15-48788335-T-G.
Other names: short protein forms K794T.
Identifiers: ClinVar variation 1171186 (VCV001171186.3), dbSNP rs375366432, ClinGen allele CA047539.

ClinVar aggregate classification (germline): Uncertain significance. Review status: criteria provided, multiple submitters, no conflicts (2 of 4 stars). 2 submissions from 2 submitters: Uncertain significance (2). Last evaluated 2026-04-06.

Conditions:
Familial thoracic aortic aneurysm and aortic dissection (TAAD). Also called: Thoracic aortic aneurysms and dissections. Identifiers: Orphanet 91387, MedGen C4707243, MONDO:0019625.

Allele frequency attached by ClinVar (database versions not stated): ESP Exome Variant Server 0.00008; TOPMed below 0.00001; ExAC 0.00001; gnomAD 0.00001; gnomAD exomes 0.00001.
gnomAD v4.1: 5 of 1,613,730 alleles (0.00031%); highest among the groups gnomAD compares: Non-Finnish European, 0.00042%; no homozygotes.

Submissions (2):

Ambry Genetics
Classification: Uncertain significance for Familial thoracic aortic aneurysm and aortic dissection. Last evaluated: 2026-04-06. Review status: criteria provided, single submitter. Criteria: Ambry Variant Classification Scheme 2023. Collection method: clinical testing. Allele origin: germline.
Comment: The p.K794T variant (also known as c.2381A>C), located in coding exon 19 of the FBN1 gene, results from an A to C substitution at nucleotide position 2381. The lysine at codon 794 is replaced by threonine, an amino acid with similar properties. This amino acid position is well conserved in available vertebrate species. In addition, the in silico prediction for this alteration is inconclusive. Based on the available evidence, the clinical significance of this variant remains unclear.

Color Diagnostics, LLC DBA Color Health
Classification: Uncertain significance for Familial thoracic aortic aneurysm and aortic dissection. Last evaluated: 2020-11-23. Review status: criteria provided, single submitter. Criteria: ACMG Guidelines, 2015. Collection method: clinical testing. Allele origin: germline.
Comment: This missense variant replaces lysine with threonine at codon 794 of the FBN1 protein. Computational prediction suggests that this variant may not impact protein structure and function (internally defined REVEL score threshold <= 0.5, PMID: 27666373). To our knowledge, functional studies have not been reported for this variant. This variant has not been reported in individuals affected with cardiovascular disorders in the literature. This variant has not been identified in the general population by the Genome Aggregation Database (gnomAD). The available evidence is insufficient to determine the role of this variant in disease conclusively. Therefore, this variant is classified as a Variant of Uncertain Significance.